The following is an entry in ClinVar:

ClinVar aggregate classification (germline): Uncertain significance. Review status: criteria provided, multiple submitters, no conflicts (2 of 4 stars). 3 submissions from 3 submitters: Uncertain significance (3). Last evaluated 2025-12-04.

Conditions:
Combined immunodeficiency due to LRBA deficiency. Also called: Common variable immunodeficiency 8, with autoimmunity. Identifiers: Orphanet 445018, MedGen C3553512, MONDO:0013863, OMIM 614700.
Inborn genetic diseases. Identifiers: MedGen C0950123, MeSH D030342.

Allele frequency attached by ClinVar (database versions not stated): gnomAD 0.00004; TOPMed 0.00004; ESP Exome Variant Server 0.00008.
gnomAD v4.1: 45 of 1,612,134 alleles (0.0028%); highest among the groups gnomAD compares: Non-Finnish European, 0.0031%; no homozygotes.

Submissions (3):

Ambry Genetics
Classification: Uncertain significance for Inborn genetic diseases. Last evaluated: 2025-12-04. Review status: criteria provided, single submitter. Criteria: Ambry Variant Classification Scheme 2023. Collection method: clinical testing. Allele origin: germline.

Genetic Services Laboratory, University of Chicago
Classification: Uncertain significance. Last evaluated: 2021-12-01. Review status: criteria provided, single submitter. Criteria: ACMG Guidelines, 2015. Collection method: clinical testing. Allele origin: germline. Affected: no.
Comment: This sequence change does not appear to have been previously described in individuals with LRBA-related disorders. This sequence change has been described in the gnomAD database with a frequency of 0.0047% in the non-Finnish European subpopulation (dbSNP rs139428686). The p.Arg2352Cys change affects a highly conserved amino acid residue located in a domain of the LRBA protein that is known to be functional. In-silico pathogenicity prediction tools (SIFT, PolyPhen2, Align GVGD, REVEL) provide contradictory results for the p.Arg2352Cys substitution. Due to insufficient evidence and the lack of functional studies, the clinical significance of the p.Arg2352Cys change remains unknown at this time.

Labcorp Genetics (formerly Invitae), Labcorp
Classification: Uncertain significance for Combined immunodeficiency due to LRBA deficiency. Last evaluated: 2019-04-18. Review status: criteria provided, single submitter. Criteria: Invitae Variant Classification Sherloc (09022015). Collection method: clinical testing. Allele origin: germline.
Comment: This variant is present in population databases (rs139428686, ExAC 0.005%). In summary, the available evidence is currently insufficient to determine the role of this variant in disease. Therefore, it has been classified as a Variant of Uncertain Significance. Algorithms developed to predict the effect of missense changes on protein structure and function are either unavailable or do not agree on the potential impact of this missense change (SIFT: "Deleterious"; PolyPhen-2: "Probably Damaging"; Align-GVGD: "Class C0"). This variant has not been reported in the literature in individuals with LRBA-related disease. This sequence change replaces arginine with cysteine at codon 2352 of the LRBA protein (p.Arg2352Cys). The arginine residue is moderately conserved and there is a large physicochemical difference between arginine and cysteine.

NM_001364905.1(LRBA):c.7021C>T (p.Arg2341Cys)

Gene: LRBA (LPS responsive beige-like anchor protein; minus strand). Cytogenetic location: 4q31.3.
Variant type: single nucleotide variant.
Coding change: c.7021C>T on transcript NM_001364905.1 (MANE Select); coding-DNA position 7021, C replaced by T.
Protein change: p.Arg2341Cys; replaces arginine 2341 with cysteine.
Molecular consequence: missense variant.
Genome position (GRCh38, 1-based): chr4:150,435,609, G>A on the plus strand (C>T on the coding strand, the complement: LRBA is on the minus strand). VCF-style: chr4-150435609-G-A. GRCh37 (hg19) VCF-style: chr4-151356761-G-A.
Other names: c.7021C>T, p.Arg2341Cys (NM_001199282.3, NM_001367550.1); c.7054C>T, p.Arg2352Cys (NM_006726.5); short protein forms R2352C, R2341C.
Identifiers: ClinVar variation 658306 (VCV000658306.13), dbSNP rs139428686, ClinGen allele CA3101758.
Genomic context (GRCh38, chr4:150,435,609, plus strand): 5'-GCACTGGCAATAACAACTATAAAACAAAACATTTCTGTACCTTAATATCAGAGGTATCAC[G>A]CTGACTGTTTCGCCAAGCTCTGGAAATTGATGAAAAAGTTCGATCTGCATGATCAAATTT-3'
Protein context (NP_001351834.1, residues 2331-2351): SISRAWRNSQ[Arg2341Cys]DTSDIKELIP